The following is an entry in ClinVar:

ClinVar aggregate classification (germline): Uncertain significance. Review status: criteria provided, multiple submitters, no conflicts (2 of 4 stars). 3 submissions from 3 submitters: Uncertain significance (3). Last evaluated 2025-02-07.

gnomAD v4.1: 218 of 1,613,302 alleles (0.014%); highest among the groups gnomAD compares: Non-Finnish European, 0.017%; no homozygotes.

Submissions (3):

Ambry Genetics
Classification: Uncertain significance. Last evaluated: 2025-02-07. Review status: criteria provided, single submitter. Criteria: Ambry Variant Classification Scheme 2023. Collection method: clinical testing. Allele origin: germline.

Labcorp Genetics (formerly Invitae), Labcorp
Classification: Uncertain significance. Last evaluated: 2025-01-09. Review status: criteria provided, single submitter. Criteria: Invitae Variant Classification Sherloc (09022015). Collection method: clinical testing. Allele origin: germline.
Comment: This sequence change replaces leucine, which is neutral and non-polar, with phenylalanine, which is neutral and non-polar, at codon 255 of the CLIC5 protein (p.Leu255Phe). This variant is present in population databases (rs145050187, gnomAD 0.009%). This variant has not been reported in the literature in individuals affected with CLIC5-related conditions. An algorithm developed to predict the effect of missense changes on protein structure and function (PolyPhen-2) suggests that this variant is likely to be disruptive. In summary, the available evidence is currently insufficient to determine the role of this variant in disease. Therefore, it has been classified as a Variant of Uncertain Significance.

Blueprint Genetics
Classification: Uncertain significance. Last evaluated: 2021-02-17. Review status: criteria provided, single submitter. Criteria: ACMG Guidelines, 2015. Collection method: clinical testing. Allele origin: germline.

NM_016929.5(CLIC5):c.288G>T (p.Leu96Phe)

Gene: CLIC5 (CLIC family member 5; minus strand). Cytogenetic location: 6p21.1.
Variant type: single nucleotide variant.
Coding change: c.288G>T on transcript NM_016929.5 (MANE Select); coding-DNA position 288, G replaced by T.
Protein change: p.Leu96Phe; replaces leucine 96 with phenylalanine.
Molecular consequence: missense variant.
Genome position (GRCh38, 1-based): chr6:45,949,267, C>A on the plus strand (G>T on the coding strand, the complement: CLIC5 is on the minus strand). VCF-style: chr6-45949267-C-A. GRCh37 (hg19) VCF-style: chr6-45917004-C-A.
Other names: c.765G>T (NM_001114086.1); c.765G>T, p.Leu255Phe (NM_001114086.2, NM_001370650.1); c.288G>T, p.Leu96Phe (NM_001256023.2); c.171G>T, p.Leu57Phe (NM_001370649.1); short protein forms L96F, L255F, L57F.
Identifiers: ClinVar variation 3665547 (VCV003665547.4).